The following is an entry in ClinVar:

ClinVar aggregate classification (germline): Uncertain significance (1 of 4 stars; one submission).

Conditions:
Temtamy syndrome (TEMTYS). Also called: MENTAL RETARDATION WITH OR WITHOUT CRANIOFACIAL DYSMORPHISM, OCULAR COLOBOMA, OR ABNORMAL CORPUS CALLOSUM. Identifiers: Orphanet 1777, MedGen C1857512, MONDO:0009033, OMIM 218340.

Allele frequency attached by ClinVar (database versions not stated): gnomAD exomes below 0.00001; TOPMed 0.00001.
gnomAD v4.1: 1 of 1,613,792 alleles (0.000062%); highest among the groups gnomAD compares: Non-Finnish European, 0.000085%; no homozygotes.

Submission:

Labcorp Genetics (formerly Invitae), Labcorp
Classification: Uncertain significance for Temtamy syndrome. Last evaluated: 2021-06-19. Review status: criteria provided, single submitter. Criteria: Invitae Variant Classification Sherloc (09022015). Collection method: clinical testing. Allele origin: germline.
Comment: This sequence change replaces phenylalanine with tyrosine at codon 106 of the C12orf57 protein (p.Phe106Tyr). The phenylalanine residue is moderately conserved and there is a small physicochemical difference between phenylalanine and tyrosine. This variant is not present in population databases (ExAC no frequency). This variant has not been reported in the literature in individuals with C12orf57-related conditions. Algorithms developed to predict the effect of missense changes on protein structure and function are either unavailable or do not agree on the potential impact of this missense change (SIFT: "Tolerated"; PolyPhen-2: "Probably Damaging"; Align-GVGD: "Class C0"). In summary, the available evidence is currently insufficient to determine the role of this variant in disease. Therefore, it has been classified as a Variant of Uncertain Significance.

NM_138425.4(C12orf57):c.317T>A (p.Phe106Tyr)

Gene: C12orf57 (chromosome 12 open reading frame 57; plus strand). Cytogenetic location: 12p13.31.
Variant type: single nucleotide variant.
Coding change: c.317T>A on transcript NM_138425.4 (MANE Select); coding-DNA position 317, T replaced by A.
Protein change: p.Phe106Tyr; replaces phenylalanine 106 with tyrosine.
Molecular consequence: missense variant. On other transcripts: non-coding transcript variant (1).
Genome position (GRCh38, 1-based): chr12:6,945,858, T>A. VCF-style: chr12-6945858-T-A. GRCh37 (hg19) VCF-style: chr12-7055021-T-A.
Other names: c.317T>A, p.Phe106Tyr (NM_001301834.1); c.278T>A, p.Phe93Tyr (NM_001301836.2); c.230T>A, p.Phe77Tyr (NM_001301837.2); c.212T>A, p.Phe71Tyr (NM_001301838.2); short protein forms F106Y, F71Y, F77Y, F93Y.
Identifiers: ClinVar variation 1681841 (VCV001681841.6), dbSNP rs1291485787, ClinGen allele CA383745972.
Genomic context (GRCh38, chr12:6,945,858, plus strand): 5'-AGTCCTACGAAGCCCAGGATCCTGAGATCGCCAGCCTGTCAGGCAAGCTGAAGGCGCTGT[T>A]TCTGCCGCCCATGACCCTGCCACCCCATGGGCCTGCTGCTGGTGGCAGCGTGGCCGCCTC-3'
Protein context (NP_612434.1, residues 96-116): ASLSGKLKAL[Phe106Tyr]LPPMTLPPHG